The following is an entry in ClinVar:

NM_001098612.3(SIGLEC14):c.838C>A (p.Pro280Thr)

Gene: SIGLEC14 (sialic acid binding Ig like lectin 14; minus strand). Cytogenetic location: 19q13.41.
Variant type: single nucleotide variant.
Coding change: c.838C>A on transcript NM_001098612.3 (MANE Select); coding-DNA position 838, C replaced by A.
Protein change: p.Pro280Thr; replaces proline 280 with threonine.
Molecular consequence: missense variant.
Genome position (GRCh38, 1-based): chr19:51,643,953, G>T on the plus strand (C>A on the coding strand, the complement: SIGLEC14 is on the minus strand). VCF-style: chr19-51643953-G-T. GRCh37 (hg19) VCF-style: chr19-52147206-G-T.
Other names: short protein forms P280T.
Identifiers: ClinVar variation 4085453 (VCV004085453.8).

ClinVar aggregate classification (germline): Uncertain significance (1 of 4 stars; one submission).

Submission:

CeGaT Center for Human Genetics Tuebingen
Classification: Uncertain significance. Last evaluated: 2025-07-01. Review status: criteria provided, single submitter. Criteria: CeGaT Center For Human Genetics Tuebingen Variant Classification Criteria Version 2. Collection method: clinical testing. Allele origin: germline. Affected: yes. Observed: 1 variant allele.
Comment: SIGLEC14: PM2, BP4